The following is an entry in ClinVar:

NM_001329943.3(KIAA0586):c.3917C>T (p.Ala1306Val)

Gene: KIAA0586 (KIAA0586; plus strand). Cytogenetic location: 14q23.1.
Variant type: single nucleotide variant.
Coding change: c.3917C>T on transcript NM_001329943.3 (MANE Select); coding-DNA position 3917, C replaced by T.
Protein change: p.Ala1306Val; replaces alanine 1306 with valine.
Molecular consequence: missense variant. On other transcripts: intron variant (1).
Genome position (GRCh38, 1-based): chr14:58,492,202, C>T. VCF-style: chr14-58492202-C-T. GRCh37 (hg19) VCF-style: chr14-58958920-C-T.
Other names: c.4076C>T, p.Ala1359Val (NM_001244189.2); c.3872C>T, p.Ala1291Val (NM_001244190.2); c.3662C>T, p.Ala1221Val (NM_001244191.2, NM_001329945.2, NM_001364700.1 and 1 more transcripts); c.3785C>T, p.Ala1262Val (NM_001244192.2); c.3497C>T, p.Ala1166Val (NM_001244193.2); c.3917C>T, p.Ala1306Val (NM_001329944.2, NM_001329946.2); c.3689C>T, p.Ala1230Val (NM_014749.5); c.3858+1962C>T (NM_001329947.2); short protein forms A1166V, A1221V, A1230V, A1262V, A1291V, A1306V, A1359V.
Identifiers: ClinVar variation 1051219 (VCV001051219.9), dbSNP rs1369311999, ClinGen allele CA389884508.
Genomic context (GRCh38, chr14:58,492,202, plus strand): 5'-AGGAGGATGATCCTCCTAGTGAAGGGCAAGTGATTAGGATGTCCCATAAAAAATTTCATG[C>T]AGATGCAATTCTTTCTTTTGCTAAACAAAACCAGGAGTCAGCAGTTTCCCAGCAAGCAGT-3'
Protein context (NP_001316872.1, residues 1296-1316): VIRMSHKKFH[Ala1306Val]DAILSFAKQN

ClinVar aggregate classification (germline): Uncertain significance (1 of 4 stars; one submission).

Conditions:
Joubert syndrome 23 (JBTS23). Identifiers: Orphanet 475, MedGen C4084822, MONDO:0014664, OMIM 616490.
Short-rib thoracic dysplasia 14 with polydactyly (SRTD14). Identifiers: Orphanet 397715, MedGen C4225286, MONDO:0014688, OMIM 616546.

Allele frequency attached by ClinVar (database versions not stated): gnomAD exomes 0.00001.
gnomAD v4.1: 7 of 1,549,868 alleles (0.00045%); highest among the groups gnomAD compares: East Asian, 0.0024%; no homozygotes.

Submission:

Labcorp Genetics (formerly Invitae), Labcorp
Classification: Uncertain significance for Joubert syndrome 23; Short-rib thoracic dysplasia 14 with polydactyly. Last evaluated: 2023-08-04. Review status: criteria provided, single submitter. Criteria: Invitae Variant Classification Sherloc (09022015). Collection method: clinical testing. Allele origin: germline.
Comment: Advanced modeling of protein sequence and biophysical properties (such as structural, functional, and spatial information, amino acid conservation, physicochemical variation, residue mobility, and thermodynamic stability) performed at Invitae indicates that this missense variant is not expected to disrupt KIAA0586 protein function. ClinVar contains an entry for this variant (Variation ID: 1051219). This variant has not been reported in the literature in individuals affected with KIAA0586-related conditions. This variant is present in population databases (no rsID available, gnomAD 0.007%). This sequence change replaces alanine, which is neutral and non-polar, with valine, which is neutral and non-polar, at codon 1359 of the KIAA0586 protein (p.Ala1359Val). In summary, the available evidence is currently insufficient to determine the role of this variant in disease. Therefore, it has been classified as a Variant of Uncertain Significance.